The following is an entry in ClinVar:

NM_000037.4(ANK1):c.4615C>A (p.Gln1539Lys)

Gene: ANK1 (ankyrin 1; minus strand). Cytogenetic location: 8p11.21.
Variant type: single nucleotide variant.
Coding change: c.4615C>A on transcript NM_000037.4 (MANE Select); coding-DNA position 4615, C replaced by A.
Protein change: p.Gln1539Lys; replaces glutamine 1539 with lysine.
Molecular consequence: missense variant. On other transcripts: intron variant (1).
Genome position (GRCh38, 1-based): chr8:41,672,835, G>T on the plus strand (C>A on the coding strand, the complement: ANK1 is on the minus strand). VCF-style: chr8-41672835-G-T. GRCh37 (hg19) VCF-style: chr8-41530353-G-T.
Other names: c.4738C>A, p.Gln1580Lys (NM_001142446.2); c.4615C>A, p.Gln1539Lys (NM_020475.3, NM_020476.3); c.4538-409C>A (NM_020477.3); short protein forms Q1539K, Q1580K.
Identifiers: ClinVar variation 4775541 (VCV004775541.1).

ClinVar aggregate classification (germline): Uncertain significance (1 of 4 stars; one submission).

gnomAD v4.1: 1 of 1,612,568 alleles (0.000062%); highest among the groups gnomAD compares: Non-Finnish European, 0.000085%; no homozygotes.

Submission:

Labcorp Genetics (formerly Invitae), Labcorp
Classification: Uncertain significance. Last evaluated: 2025-12-23. Review status: criteria provided, single submitter. Criteria: Invitae Variant Classification Sherloc (09022015). Collection method: clinical testing. Allele origin: germline.
Comment: This sequence change replaces glutamine, which is neutral and polar, with lysine, which is basic and polar, at codon 1539 of the ANK1 protein (p.Gln1539Lys). This variant is not present in population databases (gnomAD no frequency). This variant has not been reported in the literature in individuals affected with ANK1-related conditions. An algorithm developed to predict the effect of missense changes on protein structure and function (PolyPhen-2) suggests that this variant is likely to be disruptive. In summary, the available evidence is currently insufficient to determine the role of this variant in disease. Therefore, it has been classified as a Variant of Uncertain Significance.